The following is an entry in ClinVar:

ClinVar aggregate classification (germline): Benign. Review status: reviewed by expert panel (3 of 4 stars). 7 submissions from 7 submitters: Benign (1). 6 of the submissions do not count toward it. Last evaluated 2019-07-26.

Conditions:
RUNX1-related disorder. Also called: RUNX1-related condition.
Inborn genetic diseases. Identifiers: MedGen C0950123, MeSH D030342.
Hereditary thrombocytopenia and hematological cancer predisposition syndrome associated with RUNX1. Also called: PLATELET DISORDER, ASPIRIN-LIKE; RUNX1 Familial Platelet Disorder with Associated Myeloid Malignancies; Familial Platelet Disorder with Propensity to Acute Myelogenous Leukemia; Familial thrombocytopenia with propensity to acute myelogenous leukemia. Identifiers: Orphanet 71290, MedGen C1832388, MeSH C563324, MONDO:0100083, OMIM 601399.
Hereditary cancer-predisposing syndrome. Also called: Hereditary neoplastic syndrome; Neoplastic Syndromes, Hereditary; Tumor predisposition; Hereditary Cancer Syndrome. Identifiers: Orphanet 140162, MedGen C0027672, MeSH D009386, MONDO:0015356.

Allele frequency attached by ClinVar (database versions not stated): gnomAD 0.00004; TOPMed 0.00009; gnomAD exomes 0.00013; ExAC 0.00020.
gnomAD v4.1: 30 of 1,539,886 alleles (0.0019%); highest among the groups gnomAD compares: East Asian, 0.07%; no homozygotes.

Submissions (7):

ClinGen Myeloid Malignancy Variant Curation Expert Panel
Classification: Benign for Familial platelet disorder with associated myeloid malignancy. Last evaluated: 2019-07-26. Review status: reviewed by expert panel. Criteria: ClinGen MyeloMalig ACMG Specifications v1. Collection method: curation. Allele origin: germline. Inheritance: Autosomal dominant inheritance.
Comment: The NM_001754.4:c.1355T>G (p.Val452Gly) variant has a MAF of 0.00177 (0.177%, 22/12,406 alleles) in the East Asian subpopulation of the gnomAD cohort that is >/= 0.0015 (0.15%) (BA1). Transactivation assays demonstrating normal transactivation (80-115% of wt) and data from secondary assays demonstrate normal DNA binding and CBF-beta binding (BS3; PMID: 25840971). This missense variant has a REVEL score <0.15 (0.046) and SSF and MES predict either an increase in the canonical splice site score or a decrease of the canonical splice site score by no more than 10% and no putative cryptic splice sites are created (BP4). In summary, this variant meets criteria to be classified as benign. ACMG/AMP criteria applied, as specified by the ClinGen Myeloid Malignancy Variant Curation Expert Panel for RUNX1: BA1, BS3, BP4.

Labcorp Genetics (formerly Invitae), Labcorp
Classification: Likely benign for Hereditary thrombocytopenia and hematological cancer predisposition syndrome associated with RUNX1. Last evaluated: 2025-12-08. Review status: criteria provided, single submitter. Criteria: Invitae Variant Classification Sherloc (09022015). Collection method: clinical testing. Allele origin: germline. Not counted in ClinVar's aggregate classification.

Ambry Genetics
Classification: Benign for Inborn genetic diseases. Last evaluated: 2024-06-28. Review status: criteria provided, single submitter. Criteria: Ambry Variant Classification Scheme 2023. Collection method: clinical testing. Allele origin: germline. Not counted in ClinVar's aggregate classification.

Sema4
Classification: Likely benign for Hereditary cancer-predisposing syndrome. Last evaluated: 2021-12-08. Review status: criteria provided, single submitter. Criteria: Sema4 Curation Guidelines. Collection method: curation. Allele origin: germline. Not counted in ClinVar's aggregate classification.

Genetic Services Laboratory, University of Chicago
Classification: Benign. Last evaluated: 2020-01-30. Review status: criteria provided, single submitter. Criteria: ACMG Guidelines, 2015. Collection method: clinical testing. Allele origin: germline. Affected: no. Not counted in ClinVar's aggregate classification.

Illumina Laboratory Services, Illumina
Classification: Benign for Hereditary thrombocytopenia and hematological cancer predisposition syndrome associated with RUNX1. Last evaluated: 2018-01-13. Review status: criteria provided, single submitter. Criteria: ICSL Variant Classification Criteria 13 December 2019. Collection method: clinical testing. Allele origin: germline. Not counted in ClinVar's aggregate classification.
Comment: This variant was observed in the ICSL laboratory as part of a predisposition screen in an ostensibly healthy population. It had not been previously curated by ICSL or reported in the Human Gene Mutation Database (HGMD: prior to June 1st, 2018), and was therefore a candidate for classification through an automated scoring system. Utilizing variant allele frequency, disease prevalence and penetrance estimates, and inheritance mode, an automated score was calculated to assess if this variant is too frequent to cause the disease. Based on the score and internal cut-off values, a variant classified as benign is not then subjected to further curation. The score for this variant resulted in a classification of benign for this disease.

PreventionGenetics, part of Exact Sciences
Classification: Likely benign for RUNX1-related condition. Last evaluated: 2022-10-04. Review status: no assertion criteria provided. Collection method: clinical testing. Allele origin: germline. Not counted in ClinVar's aggregate classification.
Comment: This variant is classified as likely benign based on ACMG/AMP sequence variant interpretation guidelines (Richards et al. 2015 PMID: 25741868, with internal and published modifications).

Literature cited by the submitters: PubMed 25840971 (cited by ClinGen Myeloid Malignancy Variant Curation Expert Panel).

NM_001754.5(RUNX1):c.1355T>G (p.Val452Gly)

Gene: RUNX1 (RUNX family transcription factor 1; minus strand). Cytogenetic location: 21q22.12.
Variant type: single nucleotide variant.
Coding change: c.1355T>G on transcript NM_001754.5 (MANE Select); coding-DNA position 1355, T replaced by G.
Protein change: p.Val452Gly; replaces valine 452 with glycine.
Molecular consequence: missense variant.
Genome position (GRCh38, 1-based): chr21:34,792,223, A>C on the plus strand (T>G on the coding strand, the complement: RUNX1 is on the minus strand). VCF-style: chr21-34792223-A-C. GRCh37 (hg19) VCF-style: chr21-36164520-A-C.
Other names: NM_001754.4(RUNX1):c.1355T>G; c.1274T>G, p.Val425Gly (NM_001001890.3); short protein forms V452G, V425G.
Identifiers: ClinVar variation 339875 (VCV000339875.22), dbSNP rs751710767, ClinGen allele CA10014181.